The following is an entry in ClinVar:

ClinVar aggregate classification (germline): Uncertain significance (1 of 4 stars; one submission).

Submission:

GeneDx
Classification: Uncertain significance. Last evaluated: 2024-12-12. Review status: criteria provided, single submitter. Criteria: GeneDx Variant Classification Process June 2021. Collection method: clinical testing. Allele origin: germline. Affected: yes.
Comment: Not observed at significant frequency in large population cohorts (gnomAD); In silico analysis supports that this missense variant has a deleterious effect on protein structure/function; Has not been previously published as pathogenic or benign to our knowledge

NM_001128840.3(CACNA1D):c.6319C>G (p.Leu2107Val)

Gene: CACNA1D (calcium voltage-gated channel subunit alpha1 D; plus strand). Cytogenetic location: 3p21.1.
Variant type: single nucleotide variant.
Coding change: c.6319C>G on transcript NM_001128840.3 (MANE Select); coding-DNA position 6319, C replaced by G.
Protein change: p.Leu2107Val; replaces leucine 2107 with valine.
Molecular consequence: missense variant.
Genome position (GRCh38, 1-based): chr3:53,811,239, C>G. VCF-style: chr3-53811239-C-G. GRCh37 (hg19) VCF-style: chr3-53845266-C-G.
Other names: c.6379C>G, p.Leu2127Val (NM_000720.4); c.6247C>G, p.Leu2083Val (NM_001128839.3); short protein forms L2083V, L2107V, L2127V.
Identifiers: ClinVar variation 3903078 (VCV003903078.1).
Genomic context (GRCh38, chr3:53,811,239, plus strand): 5'-GAAATCGCTGATGCCTGTGACCTCACCATCGACGAGATGGAGAGTGCAGCCAGCACCCTG[C>G]TTAATGGGAACGTGCGTCCCCGAGCCAACGGGGATGTGGGCCCCCTCTCACACCGGCAGG-3'
Protein context (NP_001122312.1, residues 2097-2117): DEMESAASTL[Leu2107Val]NGNVRPRANG